The following is an entry in ClinVar:

ClinVar aggregate classification (germline): Uncertain significance (1 of 4 stars; one submission).

Conditions:
Hereditary cancer-predisposing syndrome. Also called: Tumor predisposition; Hereditary neoplastic syndrome; Hereditary Cancer Syndrome; Neoplastic Syndromes, Hereditary. Identifiers: Orphanet 140162, MedGen C0027672, MeSH D009386, MONDO:0015356.

Submission:

Ambry Genetics
Classification: Uncertain significance for Hereditary cancer-predisposing syndrome. Last evaluated: 2023-09-27. Review status: criteria provided, single submitter. Criteria: Ambry Variant Classification Scheme 2023. Collection method: clinical testing. Allele origin: germline.
Comment: The p.M239T variant (also known as c.716T>C), located in coding exon 4 of the MSH3 gene, results from a T to C substitution at nucleotide position 716. The methionine at codon 239 is replaced by threonine, an amino acid with similar properties. This amino acid position is conserved. In addition, the in silico prediction for this alteration is inconclusive. Since supporting evidence is limited at this time, the clinical significance of this alteration remains unclear.

NM_002439.5(MSH3):c.716T>C (p.Met239Thr)

Gene: MSH3 (mutS homolog 3; plus strand). Cytogenetic location: 5q14.1.
Variant type: single nucleotide variant.
Coding change: c.716T>C on transcript NM_002439.5 (MANE Select); coding-DNA position 716, T replaced by C.
Protein change: p.Met239Thr; replaces methionine 239 with threonine.
Molecular consequence: missense variant.
Genome position (GRCh38, 1-based): chr5:80,670,233, T>C. VCF-style: chr5-80670233-T-C. GRCh37 (hg19) VCF-style: chr5-79966052-T-C.
Other names: short protein forms M239T.
Identifiers: ClinVar variation 3222311 (VCV003222311.1), dbSNP rs2546721183, ClinGen allele CA360266857.
Genomic context (GRCh38, chr5:80,670,233, plus strand): 5'-AATCAGCTAACAAACGGTCCAAAAGCATCTATACGCCGCTAGAATTACAATACATAGAAA[T>C]GAAGCAGCAGCACAAAGATGCAGTTTTGTGTGTGGAATGTGGATATAAGTATAGATTCTT-3'
Protein context (NP_002430.3, residues 229-249): YTPLELQYIE[Met239Thr]KQQHKDAVLC